The following is an entry in ClinVar:

NM_002474.3(MYH11):c.861G>A (p.Met287Ile)

Gene: MYH11 (myosin heavy chain 11; minus strand). Cytogenetic location: 16p13.11.
Variant type: single nucleotide variant.
Coding change: c.861G>A on transcript NM_002474.3 (MANE Select); coding-DNA position 861, G replaced by A.
Protein change: p.Met287Ile; replaces methionine 287 with isoleucine.
Molecular consequence: missense variant.
Genome position (GRCh38, 1-based): chr16:15,776,106, C>T on the plus strand (G>A on the coding strand, the complement: MYH11 is on the minus strand). VCF-style: chr16-15776106-C-T. GRCh37 (hg19) VCF-style: chr16-15869963-C-T.
Other names: c.882G>A, p.Met294Ile (NM_001040113.2, NM_001040114.2); c.861G>A, p.Met287Ile (NM_022844.3); c.861G>A (NM_002474.2); short protein forms M287I, M294I.
Identifiers: ClinVar variation 861859 (VCV000861859.15), dbSNP rs1371371071, ClinGen allele CA394869478.
Genomic context (GRCh38, chr16:15,776,106, plus strand): 5'-CATCCAATCACATGTCATTGCTAGTCACTTACTTCTCATCTTCTCCTTGGCTCCAGCAAT[C>T]ATGTAGTAAAAGATGTGGAATGTCCTCTCGTCTCTGGCTTGGCGAATTGCCCGTGATTTT-3'
Protein context (NP_002465.1, residues 277-297): DERTFHIFYY[Met287Ile]IAGAKEKMRS

ClinVar aggregate classification (germline): Uncertain significance. Review status: criteria provided, multiple submitters, no conflicts (2 of 4 stars). 4 submissions from 4 submitters: Uncertain significance (4). Last evaluated 2024-08-28.

Conditions:
Familial thoracic aortic aneurysm and aortic dissection (TAAD). Also called: Thoracic aortic aneurysms and dissections. Identifiers: Orphanet 91387, MedGen C4707243, MONDO:0019625.
Aortic aneurysm, familial thoracic 4 (AAT4). Also called: AORTIC ANEURYSM/AORTIC DISSECTION AND PATENT DUCTUS ARTERIOSUS. Identifiers: MedGen C1851504, MONDO:0007568, OMIM 132900.

Allele frequency attached by ClinVar (database versions not stated): gnomAD exomes below 0.00001; TOPMed below 0.00001.
gnomAD v4.1: 3 of 1,613,860 alleles (0.00019%); highest among the groups gnomAD compares: Non-Finnish European, 0.00025%; no homozygotes.

Submissions (4):

Ambry Genetics
Classification: Uncertain significance for Familial thoracic aortic aneurysm and aortic dissection. Last evaluated: 2024-08-28. Review status: criteria provided, single submitter. Criteria: Ambry Variant Classification Scheme 2023. Collection method: clinical testing. Allele origin: germline.
Comment: The p.M287I variant (also known as c.861G>A), located in coding exon 7 of the MYH11 gene, results from a G to A substitution at nucleotide position 861. The methionine at codon 287 is replaced by isoleucine, an amino acid with highly similar properties. This amino acid position is conserved. In addition, this alteration is predicted to be tolerated by in silico analysis. Based on the available evidence, the clinical significance of this variant remains unclear.

Color Diagnostics, LLC DBA Color Health
Classification: Uncertain significance for Familial thoracic aortic aneurysm and aortic dissection. Last evaluated: 2024-03-06. Review status: criteria provided, single submitter. Criteria: ACMG Guidelines, 2015. Collection method: clinical testing. Allele origin: germline.
Comment: This missense variant replaces methionine with isoleucine at codon 294 of the MYH11 protein. Computational prediction suggests that this variant may not impact protein structure and function (internally defined REVEL score threshold <= 0.5, PMID: 27666373). To our knowledge, functional studies have not been reported for this variant. This variant has not been reported in individuals affected with MYH11-related disorders in the literature. This variant has not been identified in the general population by the Genome Aggregation Database (gnomAD). The available evidence is insufficient to determine the role of this variant in disease conclusively. Therefore, this variant is classified as a Variant of Uncertain Significance.

All of Us Research Program, National Institutes of Health
Classification: Uncertain significance for Familial thoracic aortic aneurysm and aortic dissection. Last evaluated: 2023-09-17. Review status: criteria provided, single submitter. Criteria: ACMG Guidelines, 2015. Collection method: clinical testing. Allele origin: germline. Inheritance: Autosomal dominant inheritance. Observed: 1 variant allele, 1 heterozygote.
Comment: Variant of Uncertain Significance due to insufficient evidence: This missense variant is located in the myosin motor domain of the MYH11 protein. Computational prediction tools and conservation analyses are inconclusive regarding the impact of this variant on the protein function. Computational splicing tools suggest that this variant may not impact RNA splicing. To our knowledge, functional assays have not been performed for this variant nor has this variant been reported in individuals affected with cardiovascular disorders in the literature. This variant is rare in the general population and has been identified in 0/277264 chromosomes by the Genome Aggregation Database (gnomAD). Available evidence is insufficient to determine the pathogenicity of this variant conclusively.

This study involves interpretation of variants in research participants for the purpose of population health screening. Participant phenotype was not available at the time of variant classification. Additional details can be found in publication PMID: 35346344, PMCID: PMC8962531

Labcorp Genetics (formerly Invitae), Labcorp
Classification: Uncertain significance for Aortic aneurysm, familial thoracic 4. Last evaluated: 2019-03-04. Review status: criteria provided, single submitter. Criteria: Invitae Variant Classification Sherloc (09022015). Collection method: clinical testing. Allele origin: germline.
Comment: In summary, the available evidence is currently insufficient to determine the role of this variant in disease. Therefore, it has been classified as a Variant of Uncertain Significance. Algorithms developed to predict the effect of missense changes on protein structure and function (SIFT, PolyPhen-2, Align-GVGD) all suggest that this variant is likely to be tolerated, but these predictions have not been confirmed by published functional studies and their clinical significance is uncertain. This variant has not been reported in the literature in individuals with MYH11-related conditions. This variant is not present in population databases (ExAC no frequency). This sequence change replaces methionine with isoleucine at codon 294 of the MYH11 protein (p.Met294Ile). The methionine residue is weakly conserved and there is a small physicochemical difference between methionine and isoleucine.